The following is an entry in ClinVar:

NM_172351.3(CD46):c.901+19T>G

Gene: CD46 (CD46 molecule; plus strand). Cytogenetic location: 1q32.2.
Variant type: single nucleotide variant.
Coding change: c.901+19T>G on transcript NM_172351.3 (MANE Select); 19 bases into the intron after coding-DNA position 901, T replaced by G.
Molecular consequence: intron variant.
Genome position (GRCh38, 1-based): chr1:207,767,842, T>G. VCF-style: chr1-207767842-T-G. GRCh37 (hg19) VCF-style: chr1-207941187-T-G.
Other names: c.946+19T>G (NM_002389.4, NM_172359.3); c.901+19T>G (NM_153826.4, NM_172358.3, NM_172355.3 and 1 more transcripts); c.856+647T>G (NM_172352.3, NM_172353.3, NM_172350.3 and 2 more transcripts).
Identifiers: ClinVar variation 1938274 (VCV001938274.5), dbSNP rs769790979, ClinGen allele CA1371806.

ClinVar aggregate classification (germline): Uncertain significance (1 of 4 stars; one submission).

Allele frequency attached by ClinVar (database versions not stated): TOPMed 0.00001; ExAC 0.00002; gnomAD exomes 0.00005.
gnomAD v4.1: 70 of 1,584,642 alleles (0.0044%); highest among the groups gnomAD compares: Non-Finnish European, 0.006%; no homozygotes.

Submission:

Labcorp Genetics (formerly Invitae), Labcorp
Classification: Uncertain significance. Last evaluated: 2022-08-08. Review status: criteria provided, single submitter. Criteria: Invitae Variant Classification Sherloc (09022015). Collection method: clinical testing. Allele origin: germline.
Comment: In summary, the available evidence is currently insufficient to determine the role of this variant in disease. Therefore, it has been classified as a Variant of Uncertain Significance. Algorithms developed to predict the effect of sequence changes on RNA splicing suggest that this variant may disrupt the consensus splice site. This variant has not been reported in the literature in individuals affected with CD46-related conditions. This variant is present in population databases (rs769790979, gnomAD 0.004%). This sequence change falls in intron 8 of the CD46 gene. It does not directly change the encoded amino acid sequence of the CD46 protein.